The following is an entry in ClinVar:

ClinVar aggregate classification (germline): Uncertain significance. Review status: criteria provided, multiple submitters, no conflicts (2 of 4 stars). 2 submissions from 2 submitters: Uncertain significance (2). Last evaluated 2026-01-26.

Submissions (2):

GeneDx
Classification: Uncertain significance. Last evaluated: 2026-01-26. Review status: criteria provided, single submitter. Criteria: GeneDx Variant Classification Process June 2021. Collection method: clinical testing. Allele origin: germline.
Comment: Not observed at significant frequency in large population cohorts (gnomAD); In silico analysis supports that this missense variant has a deleterious effect on protein structure/function; Has not been previously published as pathogenic or benign to our knowledge

Labcorp Genetics (formerly Invitae), Labcorp
Classification: Uncertain significance. Last evaluated: 2023-10-20. Review status: criteria provided, single submitter. Criteria: Invitae Variant Classification Sherloc (09022015). Collection method: clinical testing. Allele origin: germline.
Comment: This sequence change replaces threonine, which is neutral and polar, with isoleucine, which is neutral and non-polar, at codon 2187 of the CHD8 protein (p.Thr2187Ile). This variant is not present in population databases (gnomAD no frequency). This variant has not been reported in the literature in individuals affected with CHD8-related conditions. Advanced modeling of protein sequence and biophysical properties (such as structural, functional, and spatial information, amino acid conservation, physicochemical variation, residue mobility, and thermodynamic stability) performed at Invitae indicates that this missense variant is not expected to disrupt CHD8 protein function. In summary, the available evidence is currently insufficient to determine the role of this variant in disease. Therefore, it has been classified as a Variant of Uncertain Significance.

NM_001170629.2(CHD8):c.6560C>T (p.Thr2187Ile)

Gene: CHD8 (chromodomain helicase DNA binding protein 8; minus strand). Cytogenetic location: 14q11.2.
Variant type: single nucleotide variant.
Coding change: c.6560C>T on transcript NM_001170629.2 (MANE Select); coding-DNA position 6560, C replaced by T.
Protein change: p.Thr2187Ile; replaces threonine 2187 with isoleucine.
Molecular consequence: missense variant.
Genome position (GRCh38, 1-based): chr14:21,392,718, G>A on the plus strand (C>T on the coding strand, the complement: CHD8 is on the minus strand). VCF-style: chr14-21392718-G-A. GRCh37 (hg19) VCF-style: chr14-21860877-G-A.
Other names: c.5723C>T, p.Thr1908Ile (NM_020920.4); c.6560C>T (NM_001170629.1); short protein forms T1908I, T2187I.
Identifiers: ClinVar variation 2869327 (VCV002869327.4), dbSNP rs1887602154, ClinGen allele CA388878628.